The following is an entry in ClinVar:

NM_014588.6(VSX1):c.717G>A (p.Gly239=)

Gene: VSX1 (visual system homeobox 1; minus strand). Cytogenetic location: 20p11.21.
Variant type: single nucleotide variant.
Coding change: c.717G>A on transcript NM_014588.6 (MANE Select); coding-DNA position 717, G replaced by A.
Protein change: p.Gly239=; no amino-acid change (glycine 239 retained).
Molecular consequence: synonymous variant. On other transcripts: non-coding transcript variant (4), intron variant (1).
Genome position (GRCh38, 1-based): chr20:25,077,776, C>T on the plus strand (G>A on the coding strand, the complement: VSX1 is on the minus strand). VCF-style: chr20-25077776-C-T. GRCh37 (hg19) VCF-style: chr20-25058412-C-T.
Other names: c.717G>A, p.Gly239= (NM_001256272.2); c.24G>A, p.Gly8= (NM_001378633.1); c.627+1053G>A (NM_001256271.2).
Identifiers: ClinVar variation 896933 (VCV000896933.26), dbSNP rs141410824, ClinGen allele CA9793523.

ClinVar aggregate classification (germline): Benign/Likely benign. Review status: criteria provided, multiple submitters, no conflicts (2 of 4 stars). 2 submissions from 2 submitters: Benign (1); Likely benign (1). Last evaluated 2024-01-01.

Conditions:
Posterior polymorphous corneal dystrophy. Also called: Polymorphous corneal dystrophy; CORNEAL DYSTROPHY, HEREDITARY POLYMORPHOUS POSTERIOR. Identifiers: Orphanet 98973, MedGen C0339284, MONDO:0020364, HP:0007915.

Allele frequency attached by ClinVar (database versions not stated): gnomAD 0.00012 and 0.00017; gnomAD exomes 0.00012 and 0.00037; TOPMed 0.00017; ExAC 0.00029; 1000 Genomes Project 30x 0.00078; 1000 Genomes Project 0.00100.
gnomAD v4.1: 213 of 1,550,982 alleles (0.014%); highest among the groups gnomAD compares: East Asian, 0.36%; no homozygotes.

Submissions (2):

CeGaT Center for Human Genetics Tuebingen
Classification: Likely benign. Last evaluated: 2024-01-01. Review status: criteria provided, single submitter. Criteria: CeGaT Center For Human Genetics Tuebingen Variant Classification Criteria Version 2. Collection method: clinical testing. Allele origin: germline. Affected: yes. Observed: 1 variant allele.
Comment: VSX1: BP4, BP7

Illumina Laboratory Services, Illumina
Classification: Benign for Polymorphous corneal dystrophy. Last evaluated: 2018-01-12. Review status: criteria provided, single submitter. Criteria: ICSL Variant Classification Criteria 13 December 2019. Collection method: clinical testing. Allele origin: germline.
Comment: This variant was observed in the ICSL laboratory as part of a predisposition screen in an ostensibly healthy population. It had not been previously curated by ICSL or reported in the Human Gene Mutation Database (HGMD: prior to June 1st, 2018), and was therefore a candidate for classification through an automated scoring system. Utilizing variant allele frequency, disease prevalence and penetrance estimates, and inheritance mode, an automated score was calculated to assess if this variant is too frequent to cause the disease. Based on the score and internal cut-off values, a variant classified as benign is not then subjected to further curation. The score for this variant resulted in a classification of benign for this disease.